The following is an entry in ClinVar:

ClinVar aggregate classification (germline): Benign/Likely benign. Review status: criteria provided, multiple submitters, no conflicts (2 of 4 stars). 3 submissions from 3 submitters: Benign (1); Likely benign (2). Last evaluated 2025-12-13.

Conditions:
Brugada syndrome 4 (BRGDA4). Identifiers: Orphanet 130, MedGen C2678477, MONDO:0012743, OMIM 611876.
CACNB2-related disorder. Also called: CACNB2-related condition.

Allele frequency attached by ClinVar (database versions not stated): gnomAD exomes 0.00001 and 0.00002; ExAC 0.00002; gnomAD 0.00003; TOPMed 0.00003.
gnomAD v4.1: 38 of 1,613,896 alleles (0.0024%); highest among the groups gnomAD compares: African/African-American, 0.004%; no homozygotes.

Submissions (3):

Labcorp Genetics (formerly Invitae), Labcorp
Classification: Likely benign for Brugada syndrome 4. Last evaluated: 2025-12-13. Review status: criteria provided, single submitter. Criteria: Invitae Variant Classification Sherloc (09022015). Collection method: clinical testing. Allele origin: germline.

PreventionGenetics, part of Exact Sciences
Classification: Likely benign for CACNB2-related condition. Last evaluated: 2025-03-29. Review status: criteria provided, single submitter. Criteria: ACMG Guidelines, 2015. Collection method: clinical testing. Allele origin: germline.
Comment: This variant is classified as likely benign based on ACMG/AMP sequence variant interpretation guidelines (Richards et al. 2015 PMID: 25741868, with internal and published modifications).

GeneDx
Classification: Benign. Last evaluated: 2015-03-03. Review status: criteria provided, single submitter. Criteria: GeneDx Variant Classification Process June 2021. Collection method: clinical testing. Allele origin: germline. Affected: yes.

NM_201596.3(CACNB2):c.1489-9C>T

Gene: CACNB2 (calcium voltage-gated channel auxiliary subunit beta 2; plus strand). Cytogenetic location: 10p12.31.
Variant type: single nucleotide variant.
Coding change: c.1489-9C>T on transcript NM_201596.3 (MANE Select); 9 bases into the intron before coding-DNA position 1489, C replaced by T.
Molecular consequence: intron variant.
Genome position (GRCh38, 1-based): chr10:18,539,221, C>T. VCF-style: chr10-18539221-C-T. GRCh37 (hg19) VCF-style: chr10-18828150-C-T.
Other names: c.1405-9C>T (NM_201571.4); c.1291-9C>T (NM_001167945.2); c.1333-9C>T (NM_201572.4); c.1375-9C>T (NM_201593.3); c.1417-9C>T (NM_201597.3); c.1324-9C>T (NM_000724.4); c.1210-9C>T (NM_001330060.2); c.1327-9C>T (NM_201590.3); and 1 more.
Identifiers: ClinVar variation 698097 (VCV000698097.13), dbSNP rs759870881, ClinGen allele CA5430072.